The following is an entry in ClinVar:

ClinVar aggregate classification (germline): Uncertain significance (1 of 4 stars; one submission).

Conditions:
Developmental and epileptic encephalopathy, 41 (DEE41). Also called: Epileptic encephalopathy, early infantile, 41. Identifiers: MedGen C4310717, MONDO:0014916, OMIM 617105.

gnomAD v4.1: 2 of 1,614,076 alleles (0.00012%); highest among the groups gnomAD compares: Non-Finnish European, 0.00017%; no homozygotes.

Submission:

Institute of Immunology and Genetics Kaiserslautern
Classification: Uncertain significance for Developmental and epileptic encephalopathy, 41. Last evaluated: 2025-06-04. Review status: criteria provided, single submitter. Criteria: ACMG Guidelines, 2015. Collection method: clinical testing. Allele origin: germline. Affected: yes.
Comment: ACMG Criteria: PM2; Variant was found in heterozygous state.

NM_004171.4(SLC1A2):c.1159A>G (p.Arg387Gly)

Gene: SLC1A2 (solute carrier family 1 member 2; minus strand). Cytogenetic location: 11p13.
Variant type: single nucleotide variant.
Coding change: c.1159A>G on transcript NM_004171.4 (MANE Select); coding-DNA position 1159, A replaced by G.
Protein change: p.Arg387Gly; replaces arginine 387 with glycine.
Molecular consequence: missense variant.
Genome position (GRCh38, 1-based): chr11:35,286,884, T>C on the plus strand (A>G on the coding strand, the complement: SLC1A2 is on the minus strand). VCF-style: chr11-35286884-T-C. GRCh37 (hg19) VCF-style: chr11-35308431-T-C.
Other names: c.1132A>G, p.Arg378Gly (NM_001195728.3, NM_001252652.2, NM_001439341.1); c.1147A>G, p.Arg383Gly (NM_001439342.1); c.925A>G, p.Arg309Gly (NM_001439343.1); short protein forms R309G, R378G, R383G, R387G.
Identifiers: ClinVar variation 4074729 (VCV004074729.1).